The following is an entry in ClinVar:

ClinVar aggregate classification (germline): Conflicting classifications of pathogenicity. Review status: criteria provided, conflicting classifications (1 of 4 stars). 3 submissions from 3 submitters: Likely pathogenic (1); Uncertain significance (2). Last evaluated 2025-10-03.

Conditions:
Monogenic hearing loss.

Allele frequency attached by ClinVar (database versions not stated): gnomAD exomes below 0.00001.
gnomAD v4.1: 1 of 1,610,418 alleles (0.000062%); highest among the groups gnomAD compares: South Asian, 0.0011%; no homozygotes.

Submissions (3):

Genetics Laboratory, Great Ormond Street Hospital NHS Foundation Trust, North Thames Genomic Laboratory Hub
Classification: Likely pathogenic for Monogenic hearing loss. Last evaluated: 2025-10-03. Review status: criteria provided, single submitter. Criteria: ACGS Best Practice Guidelines for Variant Classification in Rare Disease 2024 v1.2. Collection method: clinical testing. Allele origin: germline. Affected: yes.
Comment: PM2_moderate, PP3_supporting, PM5_supporting, PM3_moderate, PP4_supporting

Women's Health and Genetics/Laboratory Corporation of America, LabCorp
Classification: Uncertain significance. Last evaluated: 2024-08-01. Review status: criteria provided, single submitter. Criteria: LabCorp Variant Classification Summary - May 2015. Collection method: clinical testing. Allele origin: germline.
Comment: Variant summary: ADGRV1 c.1547G>A (p.Gly516Asp) results in a non-conservative amino acid change in the encoded protein sequence. Four of five in-silico tools predict a damaging effect of the variant on protein function. The variant allele was found at a frequency of 4.1e-06 in 246528 control chromosomes. c.1547G>A has been reported in the literature in individuals affected with Sensorineural Hearing loss (Brodie_2021). These data indicate that the variant may be associated with disease. To our knowledge, no experimental evidence demonstrating an impact on protein function has been reported. The following publication have been ascertained in the context of this evaluation (PMID: 33111992). ClinVar contains an entry for this variant (Variation ID: 2571736). Based on the evidence outlined above, the variant was classified as VUS-possibly pathogenic.

GeneDx
Classification: Uncertain significance. Last evaluated: 2024-07-16. Review status: criteria provided, single submitter. Criteria: GeneDx Variant Classification Process June 2021. Collection method: clinical testing. Allele origin: germline. Affected: yes.
Comment: Not observed at significant frequency in large population cohorts (gnomAD); In silico analysis supports that this missense variant has a deleterious effect on protein structure/function; This variant is associated with the following publications: (PMID: 34515852, 33111992)

Literature cited by the submitters: PubMed 33111992 (cited by Women's Health and Genetics/Laboratory Corporation of America, LabCorp).

NM_032119.4(ADGRV1):c.1547G>A (p.Gly516Asp)

Gene: ADGRV1 (adhesion G protein-coupled receptor V1; plus strand). Cytogenetic location: 5q14.3.
Variant type: single nucleotide variant.
Coding change: c.1547G>A on transcript NM_032119.4 (MANE Select); coding-DNA position 1547, G replaced by A.
Protein change: p.Gly516Asp; replaces glycine 516 with aspartic acid.
Molecular consequence: missense variant. On other transcripts: non-coding transcript variant (1).
Genome position (GRCh38, 1-based): chr5:90,629,247, G>A. VCF-style: chr5-90629247-G-A. GRCh37 (hg19) VCF-style: chr5-89925064-G-A.
Other names: short protein forms G516D.
Identifiers: ClinVar variation 2571736 (VCV002571736.4), dbSNP rs1265814223, ClinGen allele CA360373283.